The following is an entry in ClinVar:

ClinVar aggregate classification (germline): Uncertain significance (1 of 4 stars; one submission).

Conditions:
Hereditary cancer-predisposing syndrome. Also called: Hereditary Cancer Syndrome; Hereditary neoplastic syndrome; Tumor predisposition; Neoplastic Syndromes, Hereditary. Identifiers: Orphanet 140162, MedGen C0027672, MeSH D009386, MONDO:0015356.

Submission:

Ambry Genetics
Classification: Uncertain significance for Hereditary cancer-predisposing syndrome. Last evaluated: 2020-06-09. Review status: criteria provided, single submitter. Criteria: Ambry Variant Classification Scheme 2023. Collection method: clinical testing. Allele origin: germline.
Comment: The p.K791N variant (also known as c.2373G>T), located in coding exon 23 of the RB1 gene, results from a G to T substitution at nucleotide position 2373. The lysine at codon 791 is replaced by asparagine, an amino acid with similar properties. This amino acid position is well conserved in available vertebrate species. In addition, this alteration is predicted to be tolerated by in silico analysis. Since supporting evidence is limited at this time, the clinical significance of this alteration remains unclear.

NM_000321.3(RB1):c.2373G>T (p.Lys791Asn)

Gene: RB1 (RB transcriptional corepressor 1; plus strand). Cytogenetic location: 13q14.2.
Variant type: single nucleotide variant.
Coding change: c.2373G>T on transcript NM_000321.3 (MANE Select); coding-DNA position 2373, G replaced by T.
Protein change: p.Lys791Asn; replaces lysine 791 with asparagine.
Molecular consequence: missense variant.
Genome position (GRCh38, 1-based): chr13:48,465,252, G>T. VCF-style: chr13-48465252-G-T. GRCh37 (hg19) VCF-style: chr13-49039388-G-T.
Other names: c.2373G>T, p.Lys791Asn (NM_001407165.1); short protein forms K791N.
Identifiers: ClinVar variation 1790332 (VCV001790332.2), dbSNP rs2138345672, ClinGen allele CA388167844.